The following is an entry in ClinVar:

NM_004453.4(ETFDH):c.761A>G (p.Lys254Arg)

Gene: ETFDH (electron transfer flavoprotein dehydrogenase; plus strand). Cytogenetic location: 4q32.1.
Variant type: single nucleotide variant.
Coding change: c.761A>G on transcript NM_004453.4 (MANE Select); coding-DNA position 761, A replaced by G.
Protein change: p.Lys254Arg; replaces lysine 254 with arginine.
Molecular consequence: missense variant.
Genome position (GRCh38, 1-based): chr4:158,695,573, A>G. VCF-style: chr4-158695573-A-G. GRCh37 (hg19) VCF-style: chr4-159616725-A-G.
Other names: c.620A>G, p.Lys207Arg (NM_001281737.2); c.578A>G, p.Lys193Arg (NM_001281738.1); short protein forms K193R, K207R, K254R.
Identifiers: ClinVar variation 665240 (VCV000665240.9), dbSNP rs1580411844, ClinGen allele CA358560837.
Genomic context (GRCh38, chr4:158,695,573, plus strand): 5'-GACTGGAACTACATGCTAAAGTCACAATTTTTGCAGAAGGTTGCCATGGACATCTAGCCA[A>G]GCAACTATATAAGAAGTTTGATTTGAGAGCAAATTGTGAACCTCAAACCTACGGGATTGG-3'
Protein context (NP_004444.2, residues 244-264): FAEGCHGHLA[Lys254Arg]QLYKKFDLRA

ClinVar aggregate classification (germline): Uncertain significance (1 of 4 stars; one submission).

Conditions:
Multiple acyl-CoA dehydrogenase deficiency (MADD). Also called: Glutaric aciduria, type 2; Glutaric Acidemia type 2; ETHYLMALONIC-ADIPICACIDURIA; GA II; Glutaric acidemia type II; GA 2. Identifiers: Orphanet 26791, MedGen C0268596, MONDO:0009282, OMIM 231680.

Submission:

Labcorp Genetics (formerly Invitae), Labcorp
Classification: Uncertain significance for Multiple acyl-CoA dehydrogenase deficiency. Last evaluated: 2020-10-09. Review status: criteria provided, single submitter. Criteria: Invitae Variant Classification Sherloc (09022015). Collection method: clinical testing. Allele origin: germline.
Comment: This sequence change replaces lysine with arginine at codon 254 of the ETFDH protein (p.Lys254Arg). The lysine residue is highly conserved and there is a small physicochemical difference between lysine and arginine. This variant is not present in population databases (ExAC no frequency). This variant has not been reported in the literature in individuals with ETFDH-related disease. Algorithms developed to predict the effect of missense changes on protein structure and function (SIFT, PolyPhen-2, Align-GVGD) all suggest that this variant is likely to be disruptive, but these predictions have not been confirmed by published functional studies and their clinical significance is uncertain. In summary, the available evidence is currently insufficient to determine the role of this variant in disease. Therefore, it has been classified as a Variant of Uncertain Significance.